The following is an entry in ClinVar:

ClinVar aggregate classification (germline): Uncertain significance (1 of 4 stars; one submission).

Conditions:
Inborn genetic diseases. Identifiers: MedGen C0950123, MeSH D030342.

Submission:

Ambry Genetics
Classification: Uncertain significance for Inborn genetic diseases. Last evaluated: 2025-05-03. Review status: criteria provided, single submitter. Criteria: Ambry Variant Classification Scheme 2023. Collection method: clinical testing. Allele origin: germline.
Comment: The p.P17L variant (also known as c.50C>T), located in coding exon 2 of the DDX41 gene, results from a C to T substitution at nucleotide position 50. The proline at codon 17 is replaced by leucine, an amino acid with similar properties. This amino acid position is conserved. In addition, this alteration is predicted to be tolerated by in silico analysis. Based on the available evidence, the clinical significance of this variant remains unclear.

NM_016222.4(DDX41):c.50C>T (p.Pro17Leu)

Gene: DDX41 (DEAD-box helicase 41; minus strand). Cytogenetic location: 5q35.3.
Variant type: single nucleotide variant.
Coding change: c.50C>T on transcript NM_016222.4 (MANE Select); coding-DNA position 50, C replaced by T.
Protein change: p.Pro17Leu; replaces proline 17 with leucine.
Molecular consequence: missense variant. On other transcripts: 5 prime UTR variant (2).
Genome position (GRCh38, 1-based): chr5:177,516,813, G>A on the plus strand (C>T on the coding strand, the complement: DDX41 is on the minus strand). VCF-style: chr5-177516813-G-A. GRCh37 (hg19) VCF-style: chr5-176943814-G-A.
Other names: c.-606C>T (NM_001321732.2); c.-398C>T (NM_001321830.2); short protein forms P17L.
Identifiers: ClinVar variation 4010344 (VCV004010344.1).